The following is an entry in ClinVar:

NM_000154.2(GALK1):c.953_954del (p.Asp317_Tyr318insTer)

Gene: GALK1 (galactokinase 1; minus strand). Cytogenetic location: 17q25.1.
Variant type: Deletion.
Coding change: c.953_954del on transcript NM_000154.2 (MANE Select); coding-DNA positions 953 to 954, 2 bases deleted (AT; older notation c.953_954delAT).
Protein change: p.Asp317_Tyr318insTer.
Molecular consequence: nonsense.
Genome position (GRCh38, 1-based): chr17:75,758,363-75,758,364, AT deleted on the plus strand (AT on the coding strand, the reverse complement: GALK1 is on the minus strand); deleting any 2 consecutive bases within chr17:75,758,363-75,758,365 gives the same sequence; the c. name uses the placement nearest the transcript's 3' end. VCF-style (leftmost placement, unchanged base first): chr17-75758362-CAT-C. GRCh37 (hg19) VCF-style: chr17-73754443-CAT-C.
Other names: c.953_954del, p.Asp317_Tyr318insTer (NM_001381985.1).
Identifiers: ClinVar variation 2760551 (VCV002760551.3), dbSNP rs2545899880, ClinGen allele CA2697555171.

ClinVar aggregate classification (germline): Pathogenic (1 of 4 stars; one submission).

Conditions:
Deficiency of galactokinase. Also called: GALACTOSEMIA II; Galactokinase deficiency with cataracts. Identifiers: Orphanet 352, Orphanet 79237, MedGen C0268155, MONDO:0009255, OMIM 230200.

Submission:

Labcorp Genetics (formerly Invitae), Labcorp
Classification: Pathogenic for Deficiency of galactokinase. Last evaluated: 2023-09-13. Review status: criteria provided, single submitter. Criteria: Invitae Variant Classification Sherloc (09022015). Collection method: clinical testing. Allele origin: germline.
Comment: This sequence change creates a premature translational stop signal (p.Tyr318*) in the GALK1 gene. It is expected to result in an absent or disrupted protein product. Loss-of-function variants in GALK1 are known to be pathogenic (PMID: 7670469, 10790206). This variant is not present in population databases (gnomAD no frequency). This variant has not been reported in the literature in individuals affected with GALK1-related conditions. Algorithms developed to predict the effect of sequence changes on RNA splicing suggest that this variant may create or strengthen a splice site. For these reasons, this variant has been classified as Pathogenic.

Literature cited by the submitters: PubMed 7670469; PubMed 10790206.